The following is an entry in ClinVar:

ClinVar aggregate classification (germline): Uncertain significance (1 of 4 stars; one submission).

Conditions:
Developmental and epileptic encephalopathy, 16 (DEE16). Also called: Early infantile epileptic encephalopathy 16; TBC1D24-Related Developmental and Epileptic Encephalopathy (DEE). Identifiers: Orphanet 293181, Orphanet 352596, MedGen C3809173, MONDO:0014133, OMIM 615338.

Allele frequency attached by ClinVar (database versions not stated): ExAC 0.00001.

Submission:

Institute of Human Genetics, University of Leipzig Medical Center
Classification: Uncertain significance for Developmental and epileptic encephalopathy, 16. Last evaluated: 2022-11-15. Review status: criteria provided, single submitter. Criteria: ACMG Guidelines, 2015. Collection method: clinical testing. Allele origin: unknown. Inheritance: Autosomal recessive inheritance. Affected: yes.
Comment: Criteria applied: PM2_SUP

NM_001199107.2(TBC1D24):c.1115C>A (p.Ser372Tyr)

Gene: TBC1D24 (TBC1 domain family member 24; plus strand). Cytogenetic location: 16p13.3.
Variant type: single nucleotide variant.
Coding change: c.1115C>A on transcript NM_001199107.2 (MANE Select); coding-DNA position 1115, C replaced by A.
Protein change: p.Ser372Tyr; replaces serine 372 with tyrosine.
Molecular consequence: missense variant.
Genome position (GRCh38, 1-based): chr16:2,498,369, C>A. VCF-style: chr16-2498369-C-A. GRCh37 (hg19) VCF-style: chr16-2548370-C-A.
Other names: c.1097C>A, p.Ser366Tyr (NM_020705.3); short protein forms S366Y, S372Y.
Identifiers: ClinVar variation 1804125 (VCV001804125.3), dbSNP rs755802777, ClinGen allele CA7844154.